The following is an entry in ClinVar:

NM_001853.4(COL9A3):c.1730G>A (p.Arg577Gln)

Gene: COL9A3 (collagen type IX alpha 3 chain; plus strand). Cytogenetic location: 20q13.33.
Variant type: single nucleotide variant.
Coding change: c.1730G>A on transcript NM_001853.4 (MANE Select); coding-DNA position 1730, G replaced by A.
Protein change: p.Arg577Gln; replaces arginine 577 with glutamine.
Molecular consequence: missense variant.
Genome position (GRCh38, 1-based): chr20:62,837,209, G>A. VCF-style: chr20-62837209-G-A. GRCh37 (hg19) VCF-style: chr20-61468561-G-A.
Other names: short protein forms R577Q.
Identifiers: ClinVar variation 1636664 (VCV001636664.14), dbSNP rs140377811, ClinGen allele CA9950169.

ClinVar aggregate classification (germline): Conflicting classifications of pathogenicity. Review status: criteria provided, conflicting classifications (1 of 4 stars). 5 submissions from 5 submitters: Uncertain significance (4); Likely benign (1). Last evaluated 2026-02-13.

Conditions:
Inborn genetic diseases. Identifiers: MedGen C0950123, MeSH D030342.
COL9A3-related disorder. Also called: COL9A3-related condition.

Allele frequency attached by ClinVar (database versions not stated): TOPMed 0.00012; ESP Exome Variant Server 0.00015; 1000 Genomes Project 30x 0.00016; gnomAD 0.00016; 1000 Genomes Project 0.00020; gnomAD exomes 0.00027; ExAC 0.00037.
gnomAD v4.1: 423 of 1,612,258 alleles (0.026%); highest among the groups gnomAD compares: Non-Finnish European, 0.031%; no homozygotes.

Submissions (5):

PreventionGenetics, part of Exact Sciences
Classification: Uncertain significance for COL9A3-related condition. Last evaluated: 2026-02-13. Review status: criteria provided, single submitter. Criteria: ACMG Guidelines, 2015. Collection method: clinical testing. Allele origin: germline.
Comment: The COL9A3 c.1730G>A variant is predicted to result in the amino acid substitution p.Arg577Gln. To our knowledge, this variant has not been reported in the literature. This variant is reported in 0.049% of alleles in individuals of European (Non-Finnish) descent in gnomAD. At this time, the clinical significance of this variant is uncertain due to the absence of conclusive functional and genetic evidence.

Labcorp Genetics (formerly Invitae), Labcorp
Classification: Likely benign. Last evaluated: 2026-01-28. Review status: criteria provided, single submitter. Criteria: Invitae Variant Classification Sherloc (09022015). Collection method: clinical testing. Allele origin: germline.

GeneDx
Classification: Uncertain significance. Last evaluated: 2025-09-10. Review status: criteria provided, single submitter. Criteria: GeneDx Variant Classification Process June 2021. Collection method: clinical testing. Allele origin: germline.
Comment: Has not been previously published as pathogenic or benign to our knowledge; In silico analysis suggests that this missense variant does not alter protein structure/function

Blueprint Genetics
Classification: Uncertain significance. Last evaluated: 2024-11-25. Review status: criteria provided, single submitter. Criteria: ACMG Guidelines, 2015. Collection method: clinical testing. Allele origin: germline.

Ambry Genetics
Classification: Uncertain significance for Inborn genetic diseases. Last evaluated: 2021-08-02. Review status: criteria provided, single submitter. Criteria: Ambry Variant Classification Scheme 2023. Collection method: clinical testing. Allele origin: germline.